The following is an entry in ClinVar:

ClinVar aggregate classification (germline): Uncertain significance. Review status: criteria provided, multiple submitters, no conflicts (2 of 4 stars). 2 submissions from 2 submitters: Uncertain significance (2). Last evaluated 2024-12-20.

Allele frequency attached by ClinVar (database versions not stated): gnomAD 0.00001; gnomAD exomes 0.00001 and 0.00002; ExAC 0.00002; TOPMed 0.00003.

Submissions (2):

Labcorp Genetics (formerly Invitae), Labcorp
Classification: Uncertain significance. Last evaluated: 2024-12-20. Review status: criteria provided, single submitter. Criteria: Invitae Variant Classification Sherloc (09022015). Collection method: clinical testing. Allele origin: germline.
Comment: This sequence change replaces valine, which is neutral and non-polar, with methionine, which is neutral and non-polar, at codon 129 of the TWNK protein (p.Val129Met). This variant is present in population databases (rs757306944, gnomAD 0.01%). This variant has not been reported in the literature in individuals affected with TWNK-related conditions. ClinVar contains an entry for this variant (Variation ID: 1200366). Invitae Evidence Modeling of protein sequence and biophysical properties (such as structural, functional, and spatial information, amino acid conservation, physicochemical variation, residue mobility, and thermodynamic stability) has been performed for this missense variant. However, the output from this modeling did not meet the statistical confidence thresholds required to predict the impact of this variant on TWNK protein function. In summary, the available evidence is currently insufficient to determine the role of this variant in disease. Therefore, it has been classified as a Variant of Uncertain Significance.

GeneDx
Classification: Uncertain significance. Last evaluated: 2019-08-28. Review status: criteria provided, single submitter. Criteria: GeneDx Variant Classification Process June 2021. Collection method: clinical testing. Allele origin: germline. Affected: yes.
Comment: Has not been previously published as pathogenic or benign to our knowledge; In silico analysis, which includes protein predictors and evolutionary conservation, supports that this variant does not alter protein structure/function

NM_021830.5(TWNK):c.385G>A (p.Val129Met)

Gene: TWNK (twinkle mtDNA helicase; plus strand). Cytogenetic location: 10q24.31.
Variant type: single nucleotide variant.
Coding change: c.385G>A on transcript NM_021830.5 (MANE Select); coding-DNA position 385, G replaced by A.
Protein change: p.Val129Met; replaces valine 129 with methionine.
Molecular consequence: missense variant. On other transcripts: non-coding transcript variant (4), intron variant (3).
Genome position (GRCh38, 1-based): chr10:100,988,595, G>A. VCF-style: chr10-100988595-G-A. GRCh37 (hg19) VCF-style: chr10-102748352-G-A.
Other names: c.385G>A, p.Val129Met (NM_001163812.2); c.-120+982G>A (NM_001163814.2, NM_001163813.2); c.-58+982G>A (NM_001368275.1); short protein forms V129M.
Identifiers: ClinVar variation 1200366 (VCV001200366.6), dbSNP rs757306944, ClinGen allele CA5653058.